The following is an entry in ClinVar:

ClinVar aggregate classification (germline): Uncertain significance (1 of 4 stars; one submission).

Submission:

CeGaT Center for Human Genetics Tuebingen
Classification: Uncertain significance. Last evaluated: 2022-12-01. Review status: criteria provided, single submitter. Criteria: CeGaT Center For Human Genetics Tuebingen Variant Classification Criteria Version 2. Collection method: clinical testing. Allele origin: germline. Affected: yes. Observed: 1 variant allele.
Comment: TNXB: PM2, PM4

NM_001365276.2(TNXB):c.753_845del (p.Gly261_Glu291del)

Gene: TNXB (tenascin XB; minus strand). Cytogenetic location: 6p21.33.
Variant type: Deletion.
Coding change: c.753_845del on transcript NM_001365276.2 (MANE Select); coding-DNA positions 753 to 845, 93 bases deleted.
Protein change: p.Gly261_Glu291del.
Molecular consequence: inframe deletion.
Genome position (GRCh38, 1-based): chr6:32,097,008-32,097,100, 93 bases deleted. GRCh37 (hg19): chr6:32,064,794-32,064,886.
Other names: c.753_845del, p.Gly261_Glu291del (NM_019105.8).
Identifiers: ClinVar variation 1879655 (VCV001879655.29), dbSNP rs2483763881, ClinGen allele CA2580074315.